The following is an entry in ClinVar:

NM_025099.6(CTC1):c.1019C>G (p.Ser340Trp)

Gene: CTC1 (CST telomere replication complex component 1; minus strand). Cytogenetic location: 17p13.1.
Variant type: single nucleotide variant.
Coding change: c.1019C>G on transcript NM_025099.6 (MANE Select); coding-DNA position 1019, C replaced by G.
Protein change: p.Ser340Trp; replaces serine 340 with tryptophan.
Molecular consequence: missense variant. On other transcripts: non-coding transcript variant (1).
Genome position (GRCh38, 1-based): chr17:8,236,116, G>C on the plus strand (C>G on the coding strand, the complement: CTC1 is on the minus strand). VCF-style: chr17-8236116-G-C. GRCh37 (hg19) VCF-style: chr17-8139434-G-C.
Other names: c.1019C>G (NM_025099.5); short protein forms S340W.
Identifiers: ClinVar variation 1520353 (VCV001520353.8), dbSNP rs771874794, ClinGen allele CA8372503.

ClinVar aggregate classification (germline): Uncertain significance. Review status: criteria provided, multiple submitters, no conflicts (2 of 4 stars). 2 submissions from 2 submitters: Uncertain significance (2). Last evaluated 2025-06-06.

Conditions:
Dyskeratosis congenita. Identifiers: Orphanet 1775, MedGen C0265965, MONDO:0015780.
Inborn genetic diseases. Identifiers: MedGen C0950123, MeSH D030342.

Allele frequency attached by ClinVar (database versions not stated): ExAC 0.00003.

Submissions (2):

Ambry Genetics
Classification: Uncertain significance for Inborn genetic diseases. Last evaluated: 2025-06-06. Review status: criteria provided, single submitter. Criteria: Ambry Variant Classification Scheme 2023. Collection method: clinical testing. Allele origin: germline.

Labcorp Genetics (formerly Invitae), Labcorp
Classification: Uncertain significance for Dyskeratosis congenita. Last evaluated: 2024-05-23. Review status: criteria provided, single submitter. Criteria: Invitae Variant Classification Sherloc (09022015). Collection method: clinical testing. Allele origin: germline.
Comment: This sequence change replaces serine, which is neutral and polar, with tryptophan, which is neutral and slightly polar, at codon 340 of the CTC1 protein (p.Ser340Trp). This variant is present in population databases (rs771874794, gnomAD 0.009%). This variant has not been reported in the literature in individuals affected with CTC1-related conditions. ClinVar contains an entry for this variant (Variation ID: 1520353). Advanced modeling of protein sequence and biophysical properties (such as structural, functional, and spatial information, amino acid conservation, physicochemical variation, residue mobility, and thermodynamic stability) performed at Invitae indicates that this missense variant is expected to disrupt CTC1 protein function with a positive predictive value of 80%. In summary, the available evidence is currently insufficient to determine the role of this variant in disease. Therefore, it has been classified as a Variant of Uncertain Significance.